The following is an entry in ClinVar:

ClinVar aggregate classification (germline): Conflicting classifications of pathogenicity. Review status: criteria provided, conflicting classifications (1 of 4 stars). 9 submissions from 9 submitters: Uncertain significance (1); Benign (1); Likely benign (4). 3 of the submissions do not count toward it. Last evaluated 2026-01-24.

Conditions:
ABCG5-related disorder. Also called: ABCG5-related condition.
Cardiovascular phenotype. Identifiers: MedGen CN230736.
Sitosterolemia (STSL). Also called: PHYTOSTEROLEMIA. Identifiers: Orphanet 2882, MedGen C0342907, MONDO:0008863.

Allele frequency attached by ClinVar (database versions not stated): 1000 Genomes Project 0.00080; TOPMed 0.00141; 1000 Genomes Project 30x 0.00109; gnomAD exomes 0.00016 and 0.00031; ExAC 0.00031; gnomAD 0.00135 and 0.00145; ESP Exome Variant Server 0.00115.
gnomAD v4.1: 441 of 1,614,120 alleles (0.027%); highest among the groups gnomAD compares: African/African-American, 0.5%; 4 homozygotes.

Submissions (9):

Labcorp Genetics (formerly Invitae), Labcorp
Classification: Benign for Sitosterolemia. Last evaluated: 2026-01-24. Review status: criteria provided, single submitter. Criteria: Invitae Variant Classification Sherloc (09022015). Collection method: clinical testing. Allele origin: germline.

Blueprint Genetics
Classification: Likely benign. Last evaluated: 2024-07-05. Review status: criteria provided, single submitter. Criteria: ACMG Guidelines, 2015. Collection method: clinical testing. Allele origin: germline.

Women's Health and Genetics/Laboratory Corporation of America, LabCorp
Classification: Likely benign. Last evaluated: 2023-07-18. Review status: criteria provided, single submitter. Criteria: LabCorp Variant Classification Summary - May 2015. Collection method: clinical testing. Allele origin: germline.

Ambry Genetics
Classification: Likely benign for Cardiovascular phenotype. Last evaluated: 2022-02-14. Review status: criteria provided, single submitter. Criteria: Ambry Variant Classification Scheme 2023. Collection method: clinical testing. Allele origin: germline.

Genetic Services Laboratory, University of Chicago
Classification: Likely benign. Last evaluated: 2018-12-19. Review status: criteria provided, single submitter. Criteria: ACMG Guidelines, 2015. Collection method: clinical testing. Allele origin: germline. Affected: no.

Eurofins Ntd Llc (ga)
Classification: Uncertain significance. Last evaluated: 2018-09-13. Review status: criteria provided, single submitter. Criteria: EGL ClinVar v180209 classification definitions. Collection method: clinical testing. Allele origin: germline. Observed: 9 variant alleles, 9 heterozygotes.

PreventionGenetics, part of Exact Sciences
Classification: Likely benign for ABCG5-related condition. Last evaluated: 2021-03-11. Review status: no assertion criteria provided. Collection method: clinical testing. Allele origin: germline. Not counted in ClinVar's aggregate classification.
Comment: This variant is classified as likely benign based on ACMG/AMP sequence variant interpretation guidelines (Richards et al. 2015 PMID: 25741868, with internal and published modifications).

Clinical Genetics DNA and cytogenetics Diagnostics Lab, Erasmus MC, Erasmus Medical Center
Classification: Likely benign. Review status: no assertion criteria provided. Collection method: clinical testing. Allele origin: germline. Affected: yes. Study: VKGL Data-share Consensus. Not counted in ClinVar's aggregate classification.

Clinical Genetics, Academic Medical Center
Classification: Likely benign. Review status: no assertion criteria provided. Collection method: clinical testing. Allele origin: germline. Affected: yes. Study: VKGL Data-share Consensus. Not counted in ClinVar's aggregate classification.

NM_022436.3(ABCG5):c.957C>T (p.Ser319=)

Genes: ABCG5 (ATP binding cassette subfamily G member 5; minus strand), DYNC2LI1 (dynein cytoplasmic 2 light intermediate chain 1; plus strand). Cytogenetic location: 2p21.
Variant type: single nucleotide variant.
Coding change: c.957C>T on transcript NM_022436.3 (MANE Select); coding-DNA position 957, C replaced by T.
Protein change: p.Ser319=; no amino-acid change (serine 319 retained).
Molecular consequence: synonymous variant. On other transcripts: intron variant (2).
Genome position (GRCh38, 1-based): chr2:43,824,380, G>A on the plus strand (C>T on the coding strand, the complement: ABCG5 is on the minus strand). VCF-style: chr2-43824380-G-A. GRCh37 (hg19) VCF-style: chr2-44051519-G-A.
Other names: c.*16-3006G>A (NM_001348913.2, NM_001348912.2).
Identifiers: ClinVar variation 289742 (VCV000289742.26), dbSNP rs146131711, ClinGen allele CA1636433.
Genomic context (GRCh38, chr2:43,824,380, plus strand): 5'-CAAAGTTTTATGACAAATTGCTGATTTCTTGTAGGCAGATTCTATCATCTGGACTCTCTT[G>A]GAGGTTTCTATTTCCCGTTCCTTGCTTTGGGTATCCACTGACGTCAGGTCCACTAAAAGT-3'
Protein context (NP_071881.1, residues 309-329): TQSKEREIET[Ser319=]KRVQMIESAY